The following is an entry in ClinVar:

ClinVar aggregate classification (germline): Uncertain significance (1 of 4 stars; one submission).

Allele frequency attached by ClinVar (database versions not stated): gnomAD exomes 0.00003; TOPMed 0.00004; gnomAD 0.00005; ESP Exome Variant Server 0.00008.
gnomAD v4.1: 43 of 1,613,468 alleles (0.0027%); highest among the groups gnomAD compares: Non-Finnish European, 0.0034%; no homozygotes.

Submission:

Labcorp Genetics (formerly Invitae), Labcorp
Classification: Uncertain significance. Last evaluated: 2022-10-19. Review status: criteria provided, single submitter. Criteria: Invitae Variant Classification Sherloc (09022015). Collection method: clinical testing. Allele origin: germline.
Comment: This sequence change replaces alanine, which is neutral and non-polar, with threonine, which is neutral and polar, at codon 271 of the SLC6A19 protein (p.Ala271Thr). In summary, the available evidence is currently insufficient to determine the role of this variant in disease. Therefore, it has been classified as a Variant of Uncertain Significance. Advanced modeling of protein sequence and biophysical properties (such as structural, functional, and spatial information, amino acid conservation, physicochemical variation, residue mobility, and thermodynamic stability) performed at Invitae indicates that this missense variant is expected to disrupt SLC6A19 protein function. This variant has not been reported in the literature in individuals affected with SLC6A19-related conditions. This variant is present in population databases (rs373886749, gnomAD 0.003%).

NM_001003841.3(SLC6A19):c.811G>A (p.Ala271Thr)

Gene: SLC6A19 (solute carrier family 6 member 19; plus strand). Cytogenetic location: 5p15.33.
Variant type: single nucleotide variant.
Coding change: c.811G>A on transcript NM_001003841.3 (MANE Select); coding-DNA position 811, G replaced by A.
Protein change: p.Ala271Thr; replaces alanine 271 with threonine.
Molecular consequence: missense variant.
Genome position (GRCh38, 1-based): chr5:1,213,989, G>A. VCF-style: chr5-1213989-G-A. GRCh37 (hg19) VCF-style: chr5-1214104-G-A.
Other names: short protein forms A271T.
Identifiers: ClinVar variation 2177685 (VCV002177685.4), dbSNP rs373886749, ClinGen allele CA112942097.